The following is an entry in ClinVar:

NM_001042492.3(NF1):c.*1A>C

Gene: NF1 (neurofibromin 1; plus strand). Cytogenetic location: 17q11.2.
Variant type: single nucleotide variant.
Coding change: c.*1A>C on transcript NM_001042492.3 (MANE Select); 1 bases downstream of the stop codon, A replaced by C.
Molecular consequence: 3 prime UTR variant.
Genome position (GRCh38, 1-based): chr17:31,374,156, A>C. VCF-style: chr17-31374156-A-C. GRCh37 (hg19) VCF-style: chr17-29701174-A-C.
Other names: c.*1A>C (NM_000267.4).
Identifiers: ClinVar variation 230101 (VCV000230101.12), dbSNP rs876658388, ClinGen allele CA10580435.
Genomic context (GRCh38, chr17:31,374,156, plus strand): 5'-GTGCAGAAGCAAAGAAGCGCTGGCAGTTTCAAACGTAATAGCATTAAGAAGATCGTGTGA[A>C]GCTTGCTTGCTTTCTTTTTTAAAATCAACTTAACATGGGCTCTTCACTAGTGACCCCTTC-3'

ClinVar aggregate classification (germline): Conflicting classifications of pathogenicity. Review status: criteria provided, conflicting classifications (1 of 4 stars). 6 submissions from 5 submitters: Uncertain significance (4); Benign (1); Likely benign (1). Last evaluated 2026-05-26.

Conditions:
Cardiovascular phenotype. Identifiers: MedGen CN230736.
Hereditary cancer-predisposing syndrome. Also called: Hereditary neoplastic syndrome; Neoplastic Syndromes, Hereditary; Hereditary Cancer Syndrome; Tumor predisposition. Identifiers: Orphanet 140162, MedGen C0027672, MeSH D009386, MONDO:0015356.
Neurofibromatosis, type 1 (NF1). Also called: NEUROFIBROMATOSIS, TYPE I, SOMATIC; Neurofibromatosis, type I; VON RECKLINGHAUSEN DISEASE; Peripheral type neurofibromatosis. Identifiers: Orphanet 636, MedGen C0027831, MONDO:0018975, OMIM 162200. Disease mechanism: loss of function.

Allele frequency attached by ClinVar (database versions not stated): gnomAD 0.00005 and 0.00006; gnomAD exomes 0.00002; TOPMed 0.00004.

Submissions (6):

Myriad Genetics, Inc.
Classification: Benign for Neurofibromatosis, type 1. Last evaluated: 2026-05-26. Review status: criteria provided, single submitter. Criteria: Myriad Autosomal Dominant, Autosomal Recessive and X-Linked Classification Criteria (2023). Collection method: clinical testing. Allele origin: unknown.
Comment: This variant is considered benign. This variant occurs in the non-coding 3' untranslated region of the gene, and is not expected to impact protein function.

Women's Health and Genetics/Laboratory Corporation of America, LabCorp
Classification: Uncertain significance. Last evaluated: 2024-06-24. Review status: criteria provided, single submitter. Criteria: LabCorp Variant Classification Summary - May 2015. Collection method: clinical testing. Allele origin: germline.
Comment: Variant summary: NF1 c.*1A>C is located in the untranslated mRNA region downstream of the termination codon. The variant allele was found at a frequency of 2e-05 in 251326 control chromosomes. The available data on variant occurrences in the general population are insufficient to allow any conclusion about variant significance. To our knowledge, no occurrence of c.*1A>C in individuals affected with Neurofibromatosis Type 1 and no experimental evidence demonstrating its impact on protein function have been reported. ClinVar contains an entry for this variant (Variation ID: 230101). Based on the evidence outlined above, the variant was classified as uncertain significance.

Genome Diagnostics Laboratory, The Hospital for Sick Children
Classification: Uncertain significance for Neurofibromatosis, type 1. Last evaluated: 2020-10-26. Review status: criteria provided, single submitter. Criteria: ACMG Guidelines, 2015. Collection method: clinical testing. Allele origin: germline. Affected: yes.

GeneDx
Classification: Likely benign. Last evaluated: 2019-09-18. Review status: criteria provided, single submitter. Criteria: GeneDx Variant Classification Process June 2021. Collection method: clinical testing. Allele origin: germline. Affected: yes.

Ambry Genetics
Classification: Uncertain significance for Cardiovascular phenotype; Hereditary cancer-predisposing syndrome. Last evaluated: 2017-06-08. Review status: criteria provided, single submitter. Criteria: Ambry Variant Classification Scheme 2023. Collection method: clinical testing. Allele origin: germline.
Comment: The c.*1A>C alteration is located in the 3' untranslated region (3'UTR) of the NF1 gene. This alteration consists of a deletion of 1 nucleotides after the last coding exon of the NF1 gene. Based on insufficient or conflicting evidence, the clinical significance of this alteration remains unclear.

Ambry Genetics
Classification: Uncertain significance for Hereditary cancer-predisposing syndrome. Last evaluated: 2016-02-18. Review status: criteria provided, single submitter. Criteria: Ambry Autosomal Dominant and X-Linked criteria (10/2015). Collection method: clinical testing. Allele origin: germline. Observed: 1 variant allele.
Comment: The c.*1A>C variant is located in the 3' untranslated region (3&rsquo; UTR) of the NF1 gene. This variant results from an A to C substitution one nucleotide after the last translated exon. This variant was not reported in population based cohorts in the following databases: Database of Single Nucleotide Polymorphisms (dbSNP), NHLBI Exome Sequencing Project (ESP), and 1000 Genomes Project. In the ESP, this variant was not observed in 6503 samples (13006 alleles) with coverage at this position. To date, this alteration has been detected with an allele frequency of approximately 0.006% (greater than 110000 alleles tested) in our clinical cohort. This nucleotide position is well conserved in available vertebrate species. Since supporting evidence is limited at this time, the clinical significance of c.*1A>C remains unclear.

Literature cited by the submitters: PubMed 10678181 (cited by Women's Health and Genetics/Laboratory Corporation of America, LabCorp); PubMed 23460398 (cited by Women's Health and Genetics/Laboratory Corporation of America, LabCorp); PubMed 29872168 (cited by Women's Health and Genetics/Laboratory Corporation of America, LabCorp); PubMed 27069254 (cited by Women's Health and Genetics/Laboratory Corporation of America, LabCorp).